The following is an entry in ClinVar:

ClinVar aggregate classification (germline): Pathogenic (1 of 4 stars; one submission).

Conditions:
Spastic paraplegia. Identifiers: MedGen C0037772, HP:0001258.

Submission:

Labcorp Genetics (formerly Invitae), Labcorp
Classification: Pathogenic for Spastic paraplegia. Last evaluated: 2023-05-27. Review status: criteria provided, single submitter. Criteria: Invitae Variant Classification Sherloc (09022015). Collection method: clinical testing. Allele origin: germline.
Comment: This sequence change creates a premature translational stop signal (p.Gly51Valfs*10) in the CYP7B1 gene. It is expected to result in an absent or disrupted protein product. Loss-of-function variants in CYP7B1 are known to be pathogenic (PMID: 9802883, 19363635, 19439420, 21541746, 21567895, 28039895). For these reasons, this variant has been classified as Pathogenic. ClinVar contains an entry for this variant (Variation ID: 936503). This variant has not been reported in the literature in individuals affected with CYP7B1-related conditions. This variant is present in population databases (rs767377193, gnomAD 0.002%).

Literature cited by the submitters: PubMed 9802883; PubMed 19363635; PubMed 19439420; PubMed 21541746; PubMed 21567895; PubMed 28039895.

NM_004820.5(CYP7B1):c.150del (p.Gly51fs)

Gene: CYP7B1 (cytochrome P450 family 7 subfamily B member 1; minus strand). Cytogenetic location: 8q12.3.
Variant type: Deletion.
Coding change: c.150del on transcript NM_004820.5 (MANE Select); coding-DNA position 150, one base deleted (A; older notation c.150delA).
Protein change: p.Gly51fs; shifts the reading frame from glycine 51.
Molecular consequence: frameshift variant.
Genome position (GRCh38, 1-based): chr8:64,624,512, T deleted on the plus strand (A on the coding strand, the reverse complement: CYP7B1 is on the minus strand); the first of 4 consecutive T bases (chr8:64,624,512-64,624,515); deleting any one gives the same sequence. VCF-style (leftmost placement, unchanged base first): chr8-64624511-CT-C. GRCh37 (hg19) VCF-style: chr8-65537068-CT-C.
Other names: c.150del, p.Gly51fs (NM_001324112.2); short protein forms G51fs.
Identifiers: ClinVar variation 936503 (VCV000936503.7), dbSNP rs767377193, ClinGen allele CA4764281.